The following is an entry in ClinVar:

NM_001999.4(FBN2):c.7011A>G (p.Val2337=)

Gene: FBN2 (fibrillin 2; minus strand). Cytogenetic location: 5q23.3.
Variant type: single nucleotide variant.
Coding change: c.7011A>G on transcript NM_001999.4 (MANE Select); coding-DNA position 7011, A replaced by G.
Protein change: p.Val2337=; no amino-acid change (valine 2337 retained).
Molecular consequence: synonymous variant.
Genome position (GRCh38, 1-based): chr5:128,286,719, T>C on the plus strand (A>G on the coding strand, the complement: FBN2 is on the minus strand). VCF-style: chr5-128286719-T-C. GRCh37 (hg19) VCF-style: chr5-127622411-T-C.
Identifiers: ClinVar variation 1051237 (VCV001051237.9), dbSNP rs2126816680, ClinGen allele CA446307669.

ClinVar aggregate classification (germline): Uncertain significance (1 of 4 stars; one submission).

Conditions:
Congenital contractural arachnodactyly (CCA). Also called: Arthrogryposis, distal, type 9; BEALS SYNDROME; Beals-Hecht syndrome. Identifiers: Orphanet 115, MedGen C0220668, MONDO:0007363, OMIM 121050.

Submission:

Labcorp Genetics (formerly Invitae), Labcorp
Classification: Uncertain significance for Congenital contractural arachnodactyly. Last evaluated: 2022-08-16. Review status: criteria provided, single submitter. Criteria: Invitae Variant Classification Sherloc (09022015). Collection method: clinical testing. Allele origin: germline.
Comment: This sequence change affects codon 2337 of the FBN2 mRNA. It is a 'silent' change, meaning that it does not change the encoded amino acid sequence of the FBN2 protein. It affects a nucleotide within the consensus splice site. This variant is not present in population databases (gnomAD no frequency). This variant has not been reported in the literature in individuals affected with FBN2-related conditions. ClinVar contains an entry for this variant (Variation ID: 1051237). Algorithms developed to predict the effect of sequence changes on RNA splicing suggest that this variant may create or strengthen a splice site. In summary, the available evidence is currently insufficient to determine the role of this variant in disease. Therefore, it has been classified as a Variant of Uncertain Significance.